The following is an entry in ClinVar:

ClinVar aggregate classification (germline): Pathogenic (1 of 4 stars; one submission).

Submission:

Labcorp Genetics (formerly Invitae), Labcorp
Classification: Pathogenic. Last evaluated: 2023-08-15. Review status: criteria provided, single submitter. Criteria: Invitae Variant Classification Sherloc (09022015). Collection method: clinical testing. Allele origin: germline.
Comment: This sequence change creates a premature translational stop signal (p.Leu1254Alafs*3) in the ABCA4 gene. It is expected to result in an absent or disrupted protein product. Loss-of-function variants in ABCA4 are known to be pathogenic (PMID: 10958761, 24938718, 25312043, 26780318). This variant is not present in population databases (gnomAD no frequency). This variant has not been reported in the literature in individuals affected with ABCA4-related conditions. For these reasons, this variant has been classified as Pathogenic.

Literature cited by the submitters: PubMed 10958761; PubMed 24938718; PubMed 25312043; PubMed 26780318.

NM_000350.3(ABCA4):c.3758dup (p.Leu1254fs)

Genes: ABCA4 (ATP binding cassette subfamily A member 4; minus strand), LOC126805794 (BRD4-independent group 4 enhancer GRCh37_chr1:94502188-94503387; plus strand). Cytogenetic location: 1p22.1.
Variant type: Duplication.
Coding change: c.3758dup on transcript NM_000350.3 (MANE Select); coding-DNA position 3758, one base duplicated (C; older notation c.3758dupC).
Protein change: p.Leu1254fs; shifts the reading frame from leucine 1254.
Molecular consequence: frameshift variant.
Genome position (GRCh38, 1-based): chr1:94,037,200, G duplicated on the plus strand (C on the coding strand, the reverse complement: ABCA4 is on the minus strand). VCF-style (leftmost placement, unchanged base first): chr1-94037199-C-CG. GRCh37 (hg19) VCF-style: chr1-94502755-C-CG.
Other names: c.3536dup, p.Leu1180Alafs (NM_001425324.1); short protein forms L1254fs.
Identifiers: ClinVar variation 2751171 (VCV002751171.3), dbSNP rs2523751567, ClinGen allele CA2697552516.